The following is an entry in ClinVar:

NM_001008537.3(NEXMIF):c.78T>C (p.Asn26=)

Gene: NEXMIF (neurite extension and migration factor; minus strand). Cytogenetic location: Xq13.3.
Variant type: single nucleotide variant.
Coding change: c.78T>C on transcript NM_001008537.3 (MANE Select); coding-DNA position 78, T replaced by C.
Protein change: p.Asn26=; no amino-acid change (asparagine 26 retained).
Molecular consequence: synonymous variant.
Genome position (GRCh38, 1-based): chrX:74,745,573, A>G on the plus strand (T>C on the coding strand, the complement: NEXMIF is on the minus strand). VCF-style: chrX-74745573-A-G. GRCh37 (hg19) VCF-style: chrX-73965408-A-G.
Identifiers: ClinVar variation 1400883 (VCV001400883.8), dbSNP rs2147442601, ClinGen allele CA517262171.
Genomic context (GRCh38, chrX:74,745,573, plus strand): 5'-TAGTAATAACAGAGGACTACCAGGAGAGATATTAATATACTATAATTAAATTCCCTTACC[A>G]TTTTCTTTGACCCCATTAATCAGAGTGTTTTCTCCGTTGGCTGAGGCAACAATAGCCTTA-3'
Protein context (NP_001008537.1, residues 16-36): ENTLINGVKE[Asn26=]DSEDQDVAMK

ClinVar aggregate classification (germline): Uncertain significance (1 of 4 stars; one submission).

Submission:

Labcorp Genetics (formerly Invitae), Labcorp
Classification: Uncertain significance. Last evaluated: 2024-04-11. Review status: criteria provided, single submitter. Criteria: Invitae Variant Classification Sherloc (09022015). Collection method: clinical testing. Allele origin: germline.
Comment: This sequence change affects codon 26 of the NEXMIF mRNA. It is a 'silent' change, meaning that it does not change the encoded amino acid sequence of the NEXMIF protein. It affects a nucleotide within the consensus splice site. This variant is not present in population databases (gnomAD no frequency). This variant has not been reported in the literature in individuals affected with NEXMIF-related conditions. ClinVar contains an entry for this variant (Variation ID: 1400883). Algorithms developed to predict the effect of sequence changes on RNA splicing suggest that this variant is not likely to affect RNA splicing. In summary, the available evidence is currently insufficient to determine the role of this variant in disease. Therefore, it has been classified as a Variant of Uncertain Significance.